The following is an entry in ClinVar:

NM_002948.5(RPL15):c.560C>G (p.Ser187Cys)

Genes: NKIRAS1 (NFKB inhibitor interacting Ras like 1; minus strand), RPL15 (ribosomal protein L15; plus strand). Cytogenetic location: 3p24.2.
Variant type: single nucleotide variant.
Coding change: c.560C>G on transcript NM_002948.5 (MANE Select); coding-DNA position 560, C replaced by G.
Protein change: p.Ser187Cys; replaces serine 187 with cysteine.
Molecular consequence: missense variant. On other transcripts: intron variant (2).
Genome position (GRCh38, 1-based): chr3:23,919,446, C>G. VCF-style: chr3-23919446-C-G. GRCh37 (hg19) VCF-style: chr3-23960937-C-G.
Other names: c.560C>G, p.Ser187Cys (NM_001253379.2, NM_001253380.2, NM_001253382.2 and 1 more transcripts); c.-139-7996G>C (NM_001377380.1); c.360+200C>G (NM_001253384.2); short protein forms S187C.
Identifiers: ClinVar variation 3718478 (VCV003718478.2).

ClinVar aggregate classification (germline): Uncertain significance (1 of 4 stars; one submission).

Submission:

Labcorp Genetics (formerly Invitae), Labcorp
Classification: Uncertain significance. Last evaluated: 2024-08-09. Review status: criteria provided, single submitter. Criteria: Invitae Variant Classification Sherloc (09022015). Collection method: clinical testing. Allele origin: germline.
Comment: This sequence change replaces serine, which is neutral and polar, with cysteine, which is neutral and slightly polar, at codon 187 of the RPL15 protein (p.Ser187Cys). This variant is not present in population databases (gnomAD no frequency). This variant has not been reported in the literature in individuals affected with RPL15-related conditions. An algorithm developed to predict the effect of missense changes on protein structure and function (PolyPhen-2) suggests that this variant is likely to be disruptive. In summary, the available evidence is currently insufficient to determine the role of this variant in disease. Therefore, it has been classified as a Variant of Uncertain Significance.